The following is an entry in ClinVar:

ClinVar aggregate classification (germline): Uncertain significance (1 of 4 stars; one submission).

Conditions:
Long QT syndrome (LQTS). Identifiers: MedGen C0023976, MeSH D008133, MONDO:0002442. Disease mechanism: loss of function. Inheritance: Various modes of inheritance.

Allele frequency attached by ClinVar (database versions not stated): gnomAD exomes below 0.00001; gnomAD 0.00001.
gnomAD v4.1: 2 of 1,614,018 alleles (0.00012%); highest among the groups gnomAD compares: Non-Finnish European, 0.000085%; no homozygotes.

Submission:

Labcorp Genetics (formerly Invitae), Labcorp
Classification: Uncertain significance for Long QT syndrome. Last evaluated: 2020-05-21. Review status: criteria provided, single submitter. Criteria: Invitae Variant Classification Sherloc (09022015). Collection method: clinical testing. Allele origin: germline.
Comment: In summary, the available evidence is currently insufficient to determine the role of this variant in disease. Therefore, it has been classified as a Variant of Uncertain Significance. Algorithms developed to predict the effect of missense changes on protein structure and function are either unavailable or do not agree on the potential impact of this missense change (SIFT: "Deleterious"; PolyPhen-2: "Probably Damaging"; Align-GVGD: "Class C0"). This variant has not been reported in the literature in individuals with ANK2-related conditions. This variant is not present in population databases (ExAC no frequency). This sequence change replaces aspartic acid with asparagine at codon 204 of the ANK2 protein (p.Asp204Asn). The aspartic acid residue is highly conserved and there is a small physicochemical difference between aspartic acid and asparagine.

NM_001148.6(ANK2):c.610G>A (p.Asp204Asn)

Gene: ANK2 (ankyrin 2; plus strand). Cytogenetic location: 4q26.
Variant type: single nucleotide variant.
Coding change: c.610G>A on transcript NM_001148.6 (MANE Select); coding-DNA position 610, G replaced by A.
Protein change: p.Asp204Asn; replaces aspartic acid 204 with asparagine.
Molecular consequence: missense variant.
Genome position (GRCh38, 1-based): chr4:113,237,113, G>A. VCF-style: chr4-113237113-G-A. GRCh37 (hg19) VCF-style: chr4-114158269-G-A.
Other names: c.547G>A, p.Asp183Asn (NM_001127493.3, NM_001354239.2, NM_001354243.2 and 33 more transcripts); c.610G>A, p.Asp204Asn (NM_001354225.2, NM_001354228.2, NM_001354232.2 and 9 more transcripts); c.655G>A, p.Asp219Asn (NM_001354230.2, NM_001354231.2, NM_001354237.2 and 5 more transcripts); c.592G>A, p.Asp198Asn (NM_001354261.2, NM_001386147.1, NM_001386160.1); c.598G>A, p.Asp200Asn (NM_001354269.3, NM_001386148.2, NM_001386186.2 and 1 more transcripts); c.661G>A, p.Asp221Asn (NM_001386174.1, NM_001386175.1); short protein forms D219N, D198N, D204N, D221N, D183N, D200N.
Identifiers: ClinVar variation 1040206 (VCV001040206.5), dbSNP rs1323749557, ClinGen allele CA357916712.